The following is an entry in ClinVar:

NM_000179.3(MSH6):c.1836_1841dup (p.Ser614_Cys615insLeuSer)

Gene: MSH6 (mutS homolog 6; plus strand). Cytogenetic location: 2p16.3.
Variant type: Duplication.
Coding change: c.1836_1841dup on transcript NM_000179.3 (MANE Select); coding-DNA positions 1836 to 1841, 6 bases duplicated (ATTGTC; older notation c.1836_1841dupATTGTC).
Protein change: p.Ser614_Cys615insLeuSer.
Molecular consequence: inframe insertion. On other transcripts: non-coding transcript variant (4), intron variant (2).
Genome position (GRCh38, 1-based): chr2:47,799,819-47,799,824, ATTGTC duplicated; duplicating any 6 consecutive bases within chr2:47,799,817-47,799,824 gives the same sequence; the c. name uses the placement nearest the transcript's 3' end. VCF-style (leftmost placement, unchanged base first): chr2-47799816-T-TTCATTG. GRCh37 (hg19) VCF-style: chr2-48026955-T-TTCATTG.
Other names: c.1932_1937dup, p.Ser646_Cys647insLeuSer (NM_001406802.1, NM_001406795.1); c.1836_1841dup, p.Ser614_Cys615insLeuSer (NM_001406803.1, NM_001406808.1, NM_001406809.1 and 3 more transcripts); c.1758_1763dup, p.Ser588_Cys589insLeuSer (NM_001406804.1); c.1539_1544dup, p.Ser515_Cys516insLeuSer (NM_001406805.1, NM_001406818.1, NM_001406819.1 and 10 more transcripts); c.1311_1316dup, p.Ser439_Cys440insLeuSer (NM_001406806.1, NM_001406807.1, NM_001406799.1); c.930_935dup, p.Ser312_Cys313insLeuSer (NM_001406811.1, NM_001406812.1, NM_001406814.1 and 6 more transcripts); c.1842_1847dup, p.Ser616_Cys617insLeuSer (NM_001406813.1); c.1668_1673dup, p.Ser558_Cys559insLeuSer (NM_001406826.1); and 3 more.
Identifiers: ClinVar variation 2824219 (VCV002824219.3), dbSNP rs2530633128, ClinGen allele CA2739274416.

ClinVar aggregate classification (germline): Uncertain significance (1 of 4 stars; one submission).

Conditions:
Hereditary nonpolyposis colorectal neoplasms. Identifiers: MedGen C0009405, MeSH D003123.

Submission:

Labcorp Genetics (formerly Invitae), Labcorp
Classification: Uncertain significance for Hereditary nonpolyposis colorectal neoplasms. Last evaluated: 2022-12-26. Review status: criteria provided, single submitter. Criteria: Invitae Variant Classification Sherloc (09022015). Collection method: clinical testing. Allele origin: germline.
Comment: This variant, c.1836_1841dup, results in the insertion of 2 amino acid(s) of the MSH6 protein (p.Leu613_Ser614dup), but otherwise preserves the integrity of the reading frame. In summary, the available evidence is currently insufficient to determine the role of this variant in disease. Therefore, it has been classified as a Variant of Uncertain Significance. This variant has not been reported in the literature in individuals affected with MSH6-related conditions. This variant is not present in population databases (gnomAD no frequency).